The following is an entry in ClinVar:

NM_007194.4(CHEK2):c.1080G>T (p.Glu360Asp)

Gene: CHEK2 (checkpoint kinase 2; minus strand). Cytogenetic location: 22q12.1.
Variant type: single nucleotide variant.
Coding change: c.1080G>T on transcript NM_007194.4 (MANE Select); coding-DNA position 1080, G replaced by T.
Protein change: p.Glu360Asp; replaces glutamic acid 360 with aspartic acid.
Molecular consequence: missense variant. On other transcripts: intron variant (3).
Genome position (GRCh38, 1-based): chr22:28,696,916, C>A on the plus strand (G>T on the coding strand, the complement: CHEK2 is on the minus strand). VCF-style: chr22-28696916-C-A. GRCh37 (hg19) VCF-style: chr22-29092904-C-A.
Other names: c.1209G>T, p.Glu403Asp (NM_001005735.3); c.417G>T, p.Glu139Asp (NM_001257387.3, NM_001437942.1); c.879G>T, p.Glu293Asp (NM_001349956.3); c.1173G>T, p.Glu391Asp (NM_001438293.1); c.1009-1043G>T (NM_145862.3); c.1102-1043G>T (NM_001438295.1); c.1138-1043G>T (NM_001438294.1); short protein forms E139D, E293D, E403D, E360D, E391D.
Identifiers: ClinVar variation 1786420 (VCV001786420.2), dbSNP rs1601726685, ClinGen allele CA411097510.

ClinVar aggregate classification (germline): Uncertain significance (1 of 4 stars; one submission).

Conditions:
Hereditary cancer-predisposing syndrome. Also called: Neoplastic Syndromes, Hereditary; Tumor predisposition; Hereditary Cancer Syndrome; Hereditary neoplastic syndrome. Identifiers: Orphanet 140162, MedGen C0027672, MeSH D009386, MONDO:0015356.

Submission:

Ambry Genetics
Classification: Uncertain significance for Hereditary cancer-predisposing syndrome. Last evaluated: 2021-09-18. Review status: criteria provided, single submitter. Criteria: Ambry Variant Classification Scheme 2023. Collection method: clinical testing. Allele origin: germline.
Comment: The p.E360D variant (also known as c.1080G>T), located in coding exon 9 of the CHEK2 gene, results from a G to T substitution at nucleotide position 1080. The glutamic acid at codon 360 is replaced by aspartic acid, an amino acid with highly similar properties. This amino acid position is conserved. In addition, this alteration is predicted to be tolerated by in silico analysis. Since supporting evidence is limited at this time, the clinical significance of this alteration remains unclear.